The following is an entry in ClinVar:

ClinVar aggregate classification (germline): Conflicting classifications of pathogenicity. Review status: criteria provided, conflicting classifications (1 of 4 stars). 2 submissions from 2 submitters: Uncertain significance (1); Likely benign (1). Last evaluated 2023-10-13.

Conditions:
Hereditary cancer-predisposing syndrome. Also called: Hereditary neoplastic syndrome; Neoplastic Syndromes, Hereditary; Hereditary Cancer Syndrome; Tumor predisposition. Identifiers: Orphanet 140162, MedGen C0027672, MeSH D009386, MONDO:0015356.
Hereditary breast ovarian cancer syndrome. Also called: BRCA1- and BRCA2-Associated Hereditary Breast and Ovarian Cancer; Hereditary breast and ovarian cancer syndrome (HBOC); Hereditary breast and/or ovarian cancer syndrome; Hereditary breast and ovarian cancer syndrome; Hereditary breast and ovarian cancer; Breast and ovarian cancer. Identifiers: Orphanet 145, MedGen C0677776, MeSH D061325, MONDO:0003582. Disease mechanism: loss of function.

Allele frequency attached by ClinVar (database versions not stated): TOPMed below 0.00001.

Submissions (2):

Labcorp Genetics (formerly Invitae), Labcorp
Classification: Uncertain significance for Hereditary breast ovarian cancer syndrome. Last evaluated: 2023-10-13. Review status: criteria provided, single submitter. Criteria: Invitae Variant Classification Sherloc (09022015). Collection method: clinical testing. Allele origin: germline.
Comment: This sequence change replaces glycine, which is neutral and non-polar, with arginine, which is basic and polar, at codon 284 of the BRCA2 protein (p.Gly284Arg). This variant is not present in population databases (gnomAD no frequency). This variant has not been reported in the literature in individuals affected with BRCA2-related conditions. ClinVar contains an entry for this variant (Variation ID: 1718301). Advanced modeling of protein sequence and biophysical properties (such as structural, functional, and spatial information, amino acid conservation, physicochemical variation, residue mobility, and thermodynamic stability) performed at Invitae indicates that this missense variant is not expected to disrupt BRCA2 protein function. In summary, the available evidence is currently insufficient to determine the role of this variant in disease. Therefore, it has been classified as a Variant of Uncertain Significance.

University of Washington Department of Laboratory Medicine, University of Washington
Classification: Likely benign for Hereditary cancer-predisposing syndrome. Last evaluated: 2023-03-23. Review status: criteria provided, single submitter. Criteria: Dines et al. (Genet Med. 2020). Collection method: curation. Allele origin: germline.
Comment: Missense variant in a coldspot region where missense variants are very unlikely to be pathogenic (PMID:31911673).

BRCA2 exon 10 coldspot. Reclassification based on statistical prior probability.

NM_000059.4(BRCA2):c.850G>A (p.Gly284Arg)

Gene: BRCA2 (BRCA2 DNA repair associated; plus strand). Cytogenetic location: 13q13.1.
Variant type: single nucleotide variant.
Coding change: c.850G>A on transcript NM_000059.4 (MANE Select); coding-DNA position 850, G replaced by A.
Protein change: p.Gly284Arg; replaces glycine 284 with arginine.
Molecular consequence: missense variant.
Genome position (GRCh38, 1-based): chr13:32,332,328, G>A. VCF-style: chr13-32332328-G-A. GRCh37 (hg19) VCF-style: chr13-32906465-G-A.
Other names: c.850G>A, p.Gly284Arg (NM_001406719.1, NM_001406720.1, NM_001406721.1); short protein forms G284R.
Identifiers: ClinVar variation 1718301 (VCV001718301.7), dbSNP rs1437563380, ClinGen allele CA387760530.